The following is an entry in ClinVar:

NM_001070.5(TUBG1):c.845T>C (p.Val282Ala)

Gene: TUBG1 (tubulin gamma 1; plus strand). Cytogenetic location: 17q21.2.
Variant type: single nucleotide variant.
Coding change: c.845T>C on transcript NM_001070.5 (MANE Select); coding-DNA position 845, T replaced by C.
Protein change: p.Val282Ala; replaces valine 282 with alanine.
Molecular consequence: missense variant.
Genome position (GRCh38, 1-based): chr17:42,614,261, T>C. VCF-style: chr17-42614261-T-C. GRCh37 (hg19) VCF-style: chr17-40766279-T-C.
Other names: short protein forms V282A.
Identifiers: ClinVar variation 4975278 (VCV004975278.1).

ClinVar aggregate classification (germline): Uncertain significance (1 of 4 stars; one submission).

Submission:

GeneDx
Classification: Uncertain significance. Last evaluated: 2026-01-20. Review status: criteria provided, single submitter. Criteria: GeneDx Variant Classification Process June 2021. Collection method: clinical testing. Allele origin: germline.
Comment: Not observed at significant frequency in large population cohorts (gnomAD); In silico analysis suggests that this missense variant does not alter protein structure/function; Has not been previously published as pathogenic or benign to our knowledge